The following is an entry in ClinVar:

NM_024675.4(PALB2):c.1448C>G (p.Ser483Ter)

Gene: PALB2 (partner and localizer of BRCA2; minus strand). Cytogenetic location: 16p12.2.
Variant type: single nucleotide variant.
Coding change: c.1448C>G on transcript NM_024675.4 (MANE Select); coding-DNA position 1448, C replaced by G.
Protein change: p.Ser483Ter; replaces serine 483 with a stop codon.
Molecular consequence: nonsense.
Genome position (GRCh38, 1-based): chr16:23,635,098, G>C on the plus strand (C>G on the coding strand, the complement: PALB2 is on the minus strand). VCF-style: chr16-23635098-G-C. GRCh37 (hg19) VCF-style: chr16-23646419-G-C.
Other names: short protein forms S483*.
Identifiers: ClinVar variation 379792 (VCV000379792.4), dbSNP rs1057520736, ClinGen allele CA16607001.
Genomic context (GRCh38, chr16:23,635,098, plus strand): 5'-GCCTTCCTAGACAAGTCATTATCTTCAGTGGGCCCAGCGGGAGAGCTGACTTTAGTTAAT[G>C]AGAGAAGTTTCTGAGAGGTTCTTGAACTTGGTTGTCCTGTGCATGTGCCAGACATCCTAA-3'

ClinVar aggregate classification (germline): Pathogenic. Review status: criteria provided, multiple submitters, no conflicts (2 of 4 stars). 2 submissions from 2 submitters: Pathogenic (2). Last evaluated 2020-04-07.

Conditions:
Hereditary cancer-predisposing syndrome. Also called: Tumor predisposition; Hereditary neoplastic syndrome; Neoplastic Syndromes, Hereditary; Hereditary Cancer Syndrome. Identifiers: Orphanet 140162, MedGen C0027672, MeSH D009386, MONDO:0015356.

Submissions (2):

Color Diagnostics, LLC DBA Color Health
Classification: Pathogenic for Hereditary cancer-predisposing syndrome. Last evaluated: 2020-04-07. Review status: criteria provided, single submitter. Criteria: ACMG Guidelines, 2015. Collection method: clinical testing. Allele origin: germline.
Comment: This variant changes 1 nucleotide in exon 4 of the PALB2 gene, creating a premature translation stop signal. This variant is expected to result in an absent or non-functional protein product. This variant has been reported in 1 individual affected with breast cancer (PMID: 29263802). This variant has not been identified in the general population by the Genome Aggregation Database (gnomAD). Loss of PALB2 function is a known mechanism of disease. Based on the available evidence, this variant is classified as Pathogenic.

GeneDx
Classification: Pathogenic. Last evaluated: 2015-05-18. Review status: criteria provided, single submitter. Criteria: GeneDx Variant Classification (06012015). Collection method: clinical testing. Allele origin: germline. Affected: yes.
Comment: This pathogenic variant is denoted PALB2 c.1448C>G at the cDNA level and p.Ser483Ter (S483X) at the protein level. The substitution creates a nonsense variant, which changes a Serine to a premature stop codon (TCA>TGA), and is predicted to cause loss of normal protein function through either protein truncation or nonsense-mediated mRNA decay. Although this variant has not, to our knowledge, been reported in the literature, it is considered pathogenic.